The following is an entry in ClinVar:

ClinVar aggregate classification (germline): Uncertain significance (1 of 4 stars; one submission).

Conditions:
Charcot-Marie-Tooth disease dominant intermediate C (CMTDIC). Also called: CHARCOT-MARIE-TOOTH NEUROPATHY, DOMINANT INTERMEDIATE C. Identifiers: Orphanet 100045, MedGen C1842237, MONDO:0012012, OMIM 608323.

Submission:

Labcorp Genetics (formerly Invitae), Labcorp
Classification: Uncertain significance for Charcot-Marie-Tooth disease dominant intermediate C. Last evaluated: 2021-08-02. Review status: criteria provided, single submitter. Criteria: Invitae Variant Classification Sherloc (09022015). Collection method: clinical testing. Allele origin: germline.
Comment: This sequence change replaces valine with leucine at codon 304 of the YARS protein (p.Val304Leu). The valine residue is highly conserved and there is a small physicochemical difference between valine and leucine. This variant is not present in population databases (ExAC no frequency). This variant has not been reported in the literature in individuals affected with YARS-related conditions. Algorithms developed to predict the effect of missense changes on protein structure and function are either unavailable or do not agree on the potential impact of this missense change (SIFT: "Not Available"; PolyPhen-2: "Benign"; Align-GVGD: "Not Available"). In summary, the available evidence is currently insufficient to determine the role of this variant in disease. Therefore, it has been classified as a Variant of Uncertain Significance.

NM_003680.4(YARS1):c.910G>T (p.Val304Leu)

Gene: YARS1 (tyrosyl-tRNA synthetase 1; minus strand). Cytogenetic location: 1p35.1.
Variant type: single nucleotide variant.
Coding change: c.910G>T on transcript NM_003680.4 (MANE Select); coding-DNA position 910, G replaced by T.
Protein change: p.Val304Leu; replaces valine 304 with leucine.
Molecular consequence: missense variant.
Genome position (GRCh38, 1-based): chr1:32,782,536, C>A on the plus strand (G>T on the coding strand, the complement: YARS1 is on the minus strand). VCF-style: chr1-32782536-C-A. GRCh37 (hg19) VCF-style: chr1-33248137-C-A.
Other names: short protein forms V304L.
Identifiers: ClinVar variation 1681504 (VCV001681504.6), dbSNP rs2148601486, ClinGen allele CA339683690.